The following is an entry in ClinVar:

NM_003482.4(KMT2D):c.5875G>A (p.Gly1959Arg)

Gene: KMT2D (lysine methyltransferase 2D; minus strand). Cytogenetic location: 12q13.12.
Variant type: single nucleotide variant.
Coding change: c.5875G>A on transcript NM_003482.4 (MANE Select); coding-DNA position 5875, G replaced by A.
Protein change: p.Gly1959Arg; replaces glycine 1959 with arginine.
Molecular consequence: missense variant.
Genome position (GRCh38, 1-based): chr12:49,042,323, C>T on the plus strand (G>A on the coding strand, the complement: KMT2D is on the minus strand). VCF-style: chr12-49042323-C-T. GRCh37 (hg19) VCF-style: chr12-49436106-C-T.
Other names: short protein forms G1959R.
Identifiers: ClinVar variation 3673864 (VCV003673864.2).

ClinVar aggregate classification (germline): Uncertain significance (1 of 4 stars; one submission).

Conditions:
Kabuki syndrome. Also called: NIIKAWA-KUROKI SYNDROME; Kabuki make-up syndrome. Identifiers: Orphanet 2322, MedGen C0796004, MONDO:0016512.

gnomAD v4.1: 2 of 1,534,888 alleles (0.00013%); highest among the groups gnomAD compares: Non-Finnish European, 0.00018%; no homozygotes.

Submission:

Labcorp Genetics (formerly Invitae), Labcorp
Classification: Uncertain significance for Kabuki syndrome. Last evaluated: 2024-03-14. Review status: criteria provided, single submitter. Criteria: Invitae Variant Classification Sherloc (09022015). Collection method: clinical testing. Allele origin: germline.
Comment: This sequence change replaces glycine, which is neutral and non-polar, with arginine, which is basic and polar, at codon 1959 of the KMT2D protein (p.Gly1959Arg). This variant is not present in population databases (gnomAD no frequency). This variant has not been reported in the literature in individuals affected with KMT2D-related conditions. Advanced modeling of protein sequence and biophysical properties (such as structural, functional, and spatial information, amino acid conservation, physicochemical variation, residue mobility, and thermodynamic stability) performed at Invitae indicates that this missense variant is not expected to disrupt KMT2D protein function with a negative predictive value of 95%. In summary, the available evidence is currently insufficient to determine the role of this variant in disease. Therefore, it has been classified as a Variant of Uncertain Significance.